The following is an entry in ClinVar:

ClinVar aggregate classification (germline): Uncertain significance (1 of 4 stars; one submission).

Allele frequency attached by ClinVar (database versions not stated): gnomAD exomes below 0.00001.
gnomAD v4.1: 2 of 1,614,196 alleles (0.00012%); highest among the groups gnomAD compares: Non-Finnish European, 0.00017%; no homozygotes.

Submission:

Labcorp Genetics (formerly Invitae), Labcorp
Classification: Uncertain significance. Last evaluated: 2024-01-22. Review status: criteria provided, single submitter. Criteria: Invitae Variant Classification Sherloc (09022015). Collection method: clinical testing. Allele origin: germline.
Comment: This sequence change replaces serine, which is neutral and polar, with threonine, which is neutral and polar, at codon 189 of the ASCC1 protein (p.Ser189Thr). This variant is not present in population databases (gnomAD no frequency). This variant has not been reported in the literature in individuals affected with ASCC1-related conditions. ClinVar contains an entry for this variant (Variation ID: 1971124). Advanced modeling of protein sequence and biophysical properties (such as structural, functional, and spatial information, amino acid conservation, physicochemical variation, residue mobility, and thermodynamic stability) performed at Invitae indicates that this missense variant is not expected to disrupt ASCC1 protein function with a negative predictive value of 80%. In summary, the available evidence is currently insufficient to determine the role of this variant in disease. Therefore, it has been classified as a Variant of Uncertain Significance.

NM_001198800.3(ASCC1):c.566G>C (p.Ser189Thr)

Gene: ASCC1 (activating signal cointegrator 1 complex subunit 1; minus strand). Cytogenetic location: 10q22.1.
Variant type: single nucleotide variant.
Coding change: c.566G>C on transcript NM_001198800.3 (MANE Select); coding-DNA position 566, G replaced by C.
Protein change: p.Ser189Thr; replaces serine 189 with threonine.
Molecular consequence: missense variant. On other transcripts: non-coding transcript variant (1).
Genome position (GRCh38, 1-based): chr10:72,161,598, C>G on the plus strand (G>C on the coding strand, the complement: ASCC1 is on the minus strand). VCF-style: chr10-72161598-C-G. GRCh37 (hg19) VCF-style: chr10-73921356-C-G.
Other names: c.566G>C, p.Ser189Thr (NM_001369091.1, NM_001369092.1, NM_001369093.1 and 18 more transcripts); c.632G>C, p.Ser211Thr (NM_001369099.1, NM_001369085.1, NM_001369086.1); c.650G>C, p.Ser217Thr (NM_001198799.3); c.449G>C, p.Ser150Thr (NM_001369101.1, NM_001369102.1, NM_001369105.1 and 2 more transcripts); short protein forms S150T, S211T, S189T, S217T.
Identifiers: ClinVar variation 1971124 (VCV001971124.5), dbSNP rs2493484164, ClinGen allele CA377150490.